The following is an entry in ClinVar:

NM_207037.2(TCF12):c.742G>C (p.Gly248Arg)

Gene: TCF12 (transcription factor 12; plus strand). Cytogenetic location: 15q21.3.
Variant type: single nucleotide variant.
Coding change: c.742G>C on transcript NM_207037.2 (MANE Select); coding-DNA position 742, G replaced by C.
Protein change: p.Gly248Arg; replaces glycine 248 with arginine.
Molecular consequence: missense variant. On other transcripts: intron variant (1).
Genome position (GRCh38, 1-based): chr15:57,232,347, G>C. VCF-style: chr15-57232347-G-C. GRCh37 (hg19) VCF-style: chr15-57524545-G-C.
Other names: c.232G>C, p.Gly78Arg (NM_001306219.3, NM_207040.2); c.742G>C, p.Gly248Arg (NM_001322151.2, NM_001322152.2, NM_001322157.3 and 7 more transcripts); c.85G>C, p.Gly29Arg (NM_001322154.2); c.568G>C, p.Gly190Arg (NM_001322156.2, NM_001322158.2); c.778G>C, p.Gly260Arg (NM_001322164.2); c.118-365G>C (NM_001306220.3); short protein forms G190R, G248R, G260R, G29R, G78R.
Identifiers: ClinVar variation 1310922 (VCV001310922.2), dbSNP rs2059173331, ClinGen allele CA392592151.

ClinVar aggregate classification (germline): Uncertain significance (1 of 4 stars; one submission).

Submission:

GeneDx
Classification: Uncertain significance. Last evaluated: 2019-12-06. Review status: criteria provided, single submitter. Criteria: GeneDx Variant Classification Process June 2021. Collection method: clinical testing. Allele origin: germline. Affected: yes.
Comment: Not observed in large population cohorts (Lek et al., 2016); In silico analysis, which includes protein predictors and evolutionary conservation, supports a deleterious effect; Has not been previously published as pathogenic or benign to our knowledge